The following is an entry in ClinVar:

ClinVar aggregate classification (germline): Uncertain significance. Review status: criteria provided, multiple submitters, no conflicts (2 of 4 stars). 2 submissions from 2 submitters: Uncertain significance (2). Last evaluated 2023-10-15.

Conditions:
Pontocerebellar hypoplasia, type 1C. Also called: HYPOMYELINATION WITH SPINAL MUSCULAR ATROPHY AND CEREBELLAR HYPOPLASIA. Identifiers: Orphanet 2254, MedGen C4015160, MONDO:0014485, OMIM 616081.

Submissions (2):

Labcorp Genetics (formerly Invitae), Labcorp
Classification: Uncertain significance. Last evaluated: 2023-10-15. Review status: criteria provided, single submitter. Criteria: Invitae Variant Classification Sherloc (09022015). Collection method: clinical testing. Allele origin: germline.
Comment: This sequence change creates a premature translational stop signal (p.Asn180Lysfs*9) in the EXOSC8 gene. It is expected to result in an absent or disrupted protein product. However, the current clinical and genetic evidence is not sufficient to establish whether loss-of-function variants in EXOSC8 cause disease. This variant is present in population databases (rs755140645, gnomAD 0.02%). This variant has not been reported in the literature in individuals affected with EXOSC8-related conditions. ClinVar contains an entry for this variant (Variation ID: 2185125). In summary, the available evidence is currently insufficient to determine the role of this variant in disease. Therefore, it has been classified as a Variant of Uncertain Significance.

Revvity Omics, Revvity
Classification: Uncertain significance for Pontocerebellar hypoplasia, type 1C. Last evaluated: 2020-04-23. Review status: criteria provided, single submitter. Criteria: ACMG Guidelines, 2015. Collection method: clinical testing. Allele origin: germline.

NM_181503.3(EXOSC8):c.540_544del (p.Asn180fs)

Gene: EXOSC8 (exosome component 8; plus strand). Cytogenetic location: 13q13.3.
Variant type: Deletion.
Coding change: c.540_544del on transcript NM_181503.3 (MANE Select); coding-DNA positions 540 to 544, 5 bases deleted (TTTAA; older notation c.540_544delTTTAA).
Protein change: p.Asn180fs; shifts the reading frame from asparagine 180.
Molecular consequence: frameshift variant.
Genome position (GRCh38, 1-based): chr13:37,008,109-37,008,113, TTTAA deleted; deleting any 5 consecutive bases within chr13:37,008,105-37,008,113 gives the same sequence; the c. name uses the placement nearest the transcript's 3' end. VCF-style (leftmost placement, unchanged base first): chr13-37008104-GTTAAT-G. GRCh37 (hg19) VCF-style: chr13-37582241-GTTAAT-G.
Other names: short protein forms N180fs.
Identifiers: ClinVar variation 2185125 (VCV002185125.6), dbSNP rs755140645, ClinGen allele CA6951285.